The following is an entry in ClinVar:

NM_004764.5(PIWIL1):c.735-7C>T

Gene: PIWIL1 (piwi like RNA-mediated gene silencing 1; plus strand). Cytogenetic location: 12q24.33.
Variant type: single nucleotide variant.
Coding change: c.735-7C>T on transcript NM_004764.5 (MANE Select); 7 bases into the intron before coding-DNA position 735, C replaced by T.
Molecular consequence: intron variant.
Genome position (GRCh38, 1-based): chr12:130,349,232, C>T. VCF-style: chr12-130349232-C-T. GRCh37 (hg19) VCF-style: chr12-130833777-C-T.
Other names: c.735-7C>T (NM_001190971.2).
Identifiers: ClinVar variation 3056328 (VCV003056328.2), dbSNP rs117552783, ClinGen allele CA6877073.
Genomic context (GRCh38, chr12:130,349,232, plus strand): 5'-CAACTTAGTGTGTGCAGAATGTGTTGAATGTGGAGAGGTTCTTCATGACCCCCATCTCGT[C>T]TGACAGGTTGGTGATTTGGCCTGGCTTCACTACTTCCATCCTTCAGTATGAAAACAGCAT-3'

ClinVar aggregate classification (germline): Benign (0 of 4 stars; one submission).

Conditions:
PIWIL1-related disorder. Also called: PIWIL1-related condition.

Allele frequency attached by ClinVar (database versions not stated): 1000 Genomes Project 0.00459; 1000 Genomes Project 30x 0.00531; gnomAD 0.00970; TOPMed 0.01013; ESP Exome Variant Server 0.01215.
gnomAD v4.1: 20,158 of 1,609,448 alleles (1.3%); highest among the groups gnomAD compares: Non-Finnish European, 1.5%; 159 homozygotes.

Submission:

PreventionGenetics, part of Exact Sciences
Classification: Benign for PIWIL1-related condition. Last evaluated: 2019-02-25. Review status: no assertion criteria provided. Collection method: clinical testing. Allele origin: germline.
Comment: This variant is classified as benign based on ACMG/AMP sequence variant interpretation guidelines (Richards et al. 2015 PMID: 25741868, with internal and published modifications).